The following is an entry in ClinVar:

NM_177402.5(SYT2):c.803C>T (p.Pro268Leu)

Gene: SYT2 (synaptotagmin 2; minus strand). Cytogenetic location: 1q32.1.
Variant type: single nucleotide variant.
Coding change: c.803C>T on transcript NM_177402.5 (MANE Select); coding-DNA position 803, C replaced by T.
Protein change: p.Pro268Leu; replaces proline 268 with leucine.
Molecular consequence: missense variant.
Genome position (GRCh38, 1-based): chr1:202,600,473, G>A on the plus strand (C>T on the coding strand, the complement: SYT2 is on the minus strand). VCF-style: chr1-202600473-G-A. GRCh37 (hg19) VCF-style: chr1-202569601-G-A.
Other names: c.803C>T, p.Pro268Leu (NM_001136504.1); short protein forms P268L.
Identifiers: ClinVar variation 2071908 (VCV002071908.5), dbSNP rs776179209, ClinGen allele CA1333680.

ClinVar aggregate classification (germline): Uncertain significance. Review status: criteria provided, multiple submitters, no conflicts (2 of 4 stars). 2 submissions from 2 submitters: Uncertain significance (2). Last evaluated 2025-12-09.

Conditions:
Inborn genetic diseases. Identifiers: MedGen C0950123, MeSH D030342.

Allele frequency attached by ClinVar (database versions not stated): ExAC 0.00002; gnomAD exomes 0.00004; TOPMed 0.00005; gnomAD 0.00006.
gnomAD v4.1: 72 of 1,613,876 alleles (0.0045%); highest among the groups gnomAD compares: East Asian, 0.016%; no homozygotes.

Submissions (2):

Labcorp Genetics (formerly Invitae), Labcorp
Classification: Uncertain significance. Last evaluated: 2025-12-09. Review status: criteria provided, single submitter. Criteria: Invitae Variant Classification Sherloc (09022015). Collection method: clinical testing. Allele origin: germline.
Comment: This sequence change replaces proline, which is neutral and non-polar, with leucine, which is neutral and non-polar, at codon 268 of the SYT2 protein (p.Pro268Leu). This variant is present in population databases (rs776179209, gnomAD 0.03%). This variant has not been reported in the literature in individuals affected with SYT2-related conditions. ClinVar contains an entry for this variant (Variation ID: 2071908). An algorithm developed to predict the effect of missense changes on protein structure and function (PolyPhen-2) suggests that this variant is likely to be tolerated. In summary, the available evidence is currently insufficient to determine the role of this variant in disease. Therefore, it has been classified as a Variant of Uncertain Significance.

Ambry Genetics
Classification: Uncertain significance for Inborn genetic diseases. Last evaluated: 2024-07-09. Review status: criteria provided, single submitter. Criteria: Ambry Variant Classification Scheme 2023. Collection method: clinical testing. Allele origin: germline.